The following is an entry in ClinVar:

NM_003872.3(NRP2):c.2727T>G (p.Asp909Glu)

Gene: NRP2 (neuropilin 2; plus strand). Cytogenetic location: 2q33.3.
Variant type: single nucleotide variant.
Coding change: c.2727T>G on transcript NM_003872.3 (MANE Select); coding-DNA position 2727, T replaced by G.
Protein change: p.Asp909Glu; replaces aspartic acid 909 with glutamic acid.
Molecular consequence: missense variant.
Genome position (GRCh38, 1-based): chr2:205,795,004, T>G. VCF-style: chr2-205795004-T-G. GRCh37 (hg19) VCF-style: chr2-206659728-T-G.
Other names: c.2742T>G, p.Asp914Glu (NM_201266.2); c.2676T>G, p.Asp892Glu (NM_201279.2); short protein forms D909E, D914E, D892E.
Identifiers: ClinVar variation 4993169 (VCV004993169.1).

ClinVar aggregate classification (germline): Uncertain significance (1 of 4 stars; one submission).

Conditions:
NRP2-related disorder. Also called: NRP2-related condition.

Submission:

PreventionGenetics, part of Exact Sciences
Classification: Uncertain significance for NRP2-related condition. Last evaluated: 2026-08-06. Review status: criteria provided, single submitter. Criteria: ACMG Guidelines, 2015. Collection method: clinical testing. Allele origin: germline.
Comment: The NRP2 c.2742T>G variant is predicted to result in the amino acid substitution p.Asp914Glu. To our knowledge, this variant has not been reported in the literature or in a large population database (gnomAD), indicating this variant is rare. At this time, the clinical significance of this variant is uncertain due to the absence of conclusive functional and genetic evidence.